The following is an entry in ClinVar:

NM_000094.4(COL7A1):c.571_572dup (p.Ser192fs)

Gene: COL7A1 (collagen type VII alpha 1 chain; minus strand). Cytogenetic location: 3p21.31.
Variant type: Duplication.
Coding change: c.571_572dup on transcript NM_000094.4 (MANE Select); coding-DNA positions 571 to 572, 2 bases duplicated (AC; older notation c.571_572dupAC).
Protein change: p.Ser192fs; shifts the reading frame from serine 192.
Molecular consequence: frameshift variant.
Genome position (GRCh38, 1-based): chr3:48,593,212-48,593,213, GT duplicated on the plus strand (AC on the coding strand, the reverse complement: COL7A1 is on the minus strand); duplicating any 2 consecutive bases within chr3:48,593,212-48,593,214 gives the same sequence; the c. name uses the placement nearest the transcript's 3' end. VCF-style (leftmost placement, unchanged base first): chr3-48593211-G-GGT. GRCh37 (hg19) VCF-style: chr3-48630644-G-GGT.
Other names: short protein forms S192fs.
Identifiers: ClinVar variation 5015645 (VCV005015645.1).

ClinVar aggregate classification (germline): Pathogenic (1 of 4 stars; one submission).

Conditions:
Recessive dystrophic epidermolysis bullosa (RDEB). Also called: DYSTROPHIC EPIDERMOLYSIS BULLOSA, AUTOSOMAL RECESSIVE; EPIDERMOLYSIS BULLOSA DYSTROPHICA, HALLOPEAU-SIEMENS TYPE; Hallopeau-Siemens Disease; severe generalized recessive dystrophic epidermolysis bullosa; EPIDERMOLYSIS BULLOSA DYSTROPHICA, GENERALIZED SEVERE, AUTOSOMAL RECESSIVE; Epidermolysis Bullosa Distrophica Autosomal Recessive (RDEB). Identifiers: Orphanet 79408, Orphanet 79409, MedGen C0079474, MONDO:0009179, OMIM 226600.

Submission:

Myriad Genetics, Inc.
Classification: Pathogenic for Recessive dystrophic epidermolysis bullosa. Last evaluated: 2026-03-05. Review status: criteria provided, single submitter. Criteria: Myriad Autosomal Dominant, Autosomal Recessive and X-Linked Classification Criteria (2023). Collection method: clinical testing. Allele origin: unknown.
Comment: NM_000094.3(COL7A1):c.571_572dupAC(S192Pfs*14) is expected to be pathogenic in the context of dystrophic epidermolysis bullosa. This variant is predicted to lead to an abnormal or absent protein product due to the creation of a premature termination codon in COL7A1, a gene where loss-of-function variants are known to be pathogenic. Please note: this variant was assessed in the context of healthy population screening.